The following is an entry in ClinVar:

ClinVar aggregate classification (germline): Uncertain significance (1 of 4 stars; one submission).

Conditions:
Inborn genetic diseases. Identifiers: MedGen C0950123, MeSH D030342.

Submission:

Ambry Genetics
Classification: Uncertain significance for Inborn genetic diseases. Last evaluated: 2024-10-02. Review status: criteria provided, single submitter. Criteria: Ambry Variant Classification Scheme 2023. Collection method: clinical testing. Allele origin: germline.
Comment: The p.D73N variant (also known as c.217G>A), located in coding exon 3 of the BUB1B gene, results from a G to A substitution at nucleotide position 217. The aspartic acid at codon 73 is replaced by asparagine, an amino acid with highly similar properties. This amino acid position is conserved. In addition, this alteration is predicted to be tolerated by in silico analysis. Based on the available evidence, the clinical significance of this variant remains unclear.

NM_001211.6(BUB1B):c.217G>A (p.Asp73Asn)

Gene: BUB1B (BUB1 mitotic checkpoint serine/threonine kinase B; plus strand). Cytogenetic location: 15q15.1.
Variant type: single nucleotide variant.
Coding change: c.217G>A on transcript NM_001211.6 (MANE Select); coding-DNA position 217, G replaced by A.
Protein change: p.Asp73Asn; replaces aspartic acid 73 with asparagine.
Molecular consequence: missense variant.
Genome position (GRCh38, 1-based): chr15:40,170,099, G>A. VCF-style: chr15-40170099-G-A. GRCh37 (hg19) VCF-style: chr15-40462300-G-A.
Other names: short protein forms D73N.
Identifiers: ClinVar variation 3483210 (VCV003483210.1).